The following is an entry in ClinVar:

ClinVar aggregate classification (germline): Uncertain significance (1 of 4 stars; one submission).

Submission:

Labcorp Genetics (formerly Invitae), Labcorp
Classification: Uncertain significance. Last evaluated: 2024-08-11. Review status: criteria provided, single submitter. Criteria: Invitae Variant Classification Sherloc (09022015). Collection method: clinical testing. Allele origin: germline.
Comment: This sequence change replaces tryptophan, which is neutral and slightly polar, with cysteine, which is neutral and slightly polar, at codon 45 of the KCNJ13 protein (p.Trp45Cys). This variant is not present in population databases (gnomAD no frequency). This variant has not been reported in the literature in individuals affected with KCNJ13-related conditions. Advanced modeling of protein sequence and biophysical properties (such as structural, functional, and spatial information, amino acid conservation, physicochemical variation, residue mobility, and thermodynamic stability) performed at Invitae indicates that this missense variant is expected to disrupt KCNJ13 protein function with a positive predictive value of 80%. In summary, the available evidence is currently insufficient to determine the role of this variant in disease. Therefore, it has been classified as a Variant of Uncertain Significance.

NM_002242.4(KCNJ13):c.135G>C (p.Trp45Cys)

Genes: GIGYF2 (GRB10 interacting GYF protein 2; plus strand), KCNJ13 (potassium inwardly rectifying channel subfamily J member 13; minus strand). Cytogenetic location: 2q37.1.
Variant type: single nucleotide variant.
Coding change: c.135G>C on transcript NM_002242.4 (MANE Select); coding-DNA position 135, G replaced by C.
Protein change: p.Trp45Cys; replaces tryptophan 45 with cysteine.
Molecular consequence: missense variant. On other transcripts: intron variant (5).
Genome position (GRCh38, 1-based): chr2:232,771,228, C>G on the plus strand (G>C on the coding strand, the complement: KCNJ13 is on the minus strand). VCF-style: chr2-232771228-C-G. GRCh37 (hg19) VCF-style: chr2-233635938-C-G.
Other names: c.135G>C, p.Trp45Cys (NM_001172416.1); c.532+9792C>G (NM_001103146.3, NM_015575.4, NM_001103148.2); c.533-5184C>G (NM_001103147.2); c.-23-83G>C (NM_001172417.1); short protein forms W45C.
Identifiers: ClinVar variation 3649604 (VCV003649604.2).
Genomic context (GRCh38, chr2:232,771,228, plus strand): 5'-AACAAAAGAAGCAGAAAAGACCAACATCATCCAACGCCAGCGCATGTCCATTAGGATTCC[C>G]CAAGCATCTCGAAGATATGCAAGACCTCTTTGAGCGCCATCCATTTGAAGTGTGCTGTGG-3'
Protein context (NP_002233.2, residues 35-55): QRGLAYLRDA[Trp45Cys]GILMDMRWRW